The following is an entry in ClinVar:

NM_001394998.1(TANC2):c.2662_2665dup (p.His889fs)

Gene: TANC2 (tetratricopeptide repeat, ankyrin repeat and coiled-coil containing 2; plus strand). Cytogenetic location: 17q23.3.
Variant type: Duplication.
Coding change: c.2662_2665dup on transcript NM_001394998.1 (MANE Select); coding-DNA positions 2662 to 2665, 4 bases duplicated (CATC; older notation c.2662_2665dupCATC).
Protein change: p.His889fs; shifts the reading frame from histidine 889.
Molecular consequence: frameshift variant.
Genome position (GRCh38, 1-based): chr17:63,379,797-63,379,800, CATC duplicated. VCF-style (leftmost placement, unchanged base first): chr17-63379796-A-ACATC. GRCh37 (hg19) VCF-style: chr17-61457157-A-ACATC.
Other names: c.2440_2443dup, p.His815fs (NM_025185.4); short protein forms H815fs, H889fs.
Identifiers: ClinVar variation 1342072 (VCV001342072.6), dbSNP rs2147079960, ClinGen allele CA2573054540.

ClinVar aggregate classification (germline): Likely pathogenic (1 of 4 stars; one submission).

Submission:

GeneDx
Classification: Likely pathogenic. Last evaluated: 2025-09-17. Review status: criteria provided, single submitter. Criteria: GeneDx Variant Classification Process June 2021. Collection method: clinical testing. Allele origin: germline. Affected: yes.
Comment: Frameshift variant predicted to result in protein truncation or nonsense mediated decay in a gene for which loss of function is a known mechanism of disease; Not observed at significant frequency in large population cohorts (gnomAD); Has not been previously published as pathogenic or benign to our knowledge